The following is an entry in ClinVar:

ClinVar aggregate classification (germline): Pathogenic. Review status: criteria provided, multiple submitters, no conflicts (2 of 4 stars). 2 submissions from 2 submitters: Pathogenic (2). Last evaluated 2022-09-08.

Conditions:
Hereditary breast ovarian cancer syndrome. Also called: Hereditary breast and ovarian cancer syndrome (HBOC); Hereditary breast and ovarian cancer syndrome; Breast and ovarian cancer; BRCA1- and BRCA2-Associated Hereditary Breast and Ovarian Cancer; Hereditary breast and ovarian cancer; Hereditary breast and/or ovarian cancer syndrome. Identifiers: Orphanet 145, MedGen C0677776, MeSH D061325, MONDO:0003582. Disease mechanism: loss of function.
Hereditary cancer-predisposing syndrome. Also called: Neoplastic Syndromes, Hereditary; Hereditary Cancer Syndrome; Hereditary neoplastic syndrome; Tumor predisposition. Identifiers: Orphanet 140162, MedGen C0027672, MeSH D009386, MONDO:0015356.

Submissions (2):

Labcorp Genetics (formerly Invitae), Labcorp
Classification: Pathogenic for Hereditary breast ovarian cancer syndrome. Last evaluated: 2022-09-08. Review status: criteria provided, single submitter. Criteria: Invitae Variant Classification Sherloc (09022015). Collection method: clinical testing. Allele origin: germline.
Comment: For these reasons, this variant has been classified as Pathogenic. ClinVar contains an entry for this variant (Variation ID: 479239). This variant has not been reported in the literature in individuals affected with BRCA1-related conditions. This variant is not present in population databases (gnomAD no frequency). This sequence change creates a premature translational stop signal (p.Glu1214Leufs*3) in the BRCA1 gene. It is expected to result in an absent or disrupted protein product. Loss-of-function variants in BRCA1 are known to be pathogenic (PMID: 20104584).

Ambry Genetics
Classification: Pathogenic for Hereditary cancer-predisposing syndrome. Last evaluated: 2018-07-05. Review status: criteria provided, single submitter. Criteria: Ambry Variant Classification Scheme 2023. Collection method: clinical testing. Allele origin: germline.
Comment: The c.3640_3644delGAGAA pathogenic mutation, located in coding exon 9 of the BRCA1 gene, results from a deletion of 5 nucleotides at nucleotide positions 3640 to 3644, causing a translational frameshift with a predicted alternate stop codon (E1214Lfs*3). This alteration is expected to result in loss of function by premature protein truncation or nonsense-mediated mRNA decay. As such, this alteration is interpreted as a disease-causing mutation.

Literature cited by the submitters: PubMed 20104584 (cited by Labcorp Genetics (formerly Invitae), Labcorp).

NM_007294.4(BRCA1):c.3640_3644del (p.Glu1214fs)

Genes: BRCA1 (BRCA1 DNA repair associated; minus strand), LOC126862571 (BRD4-independent group 4 enhancer GRCh37_chr17:41243136-41244335; plus strand). Cytogenetic location: 17q21.31.
Variant type: Deletion.
Coding change: c.3640_3644del on transcript NM_007294.4 (MANE Select); coding-DNA positions 3640 to 3644, 5 bases deleted (GAGAA; older notation c.3640_3644delGAGAA).
Protein change: p.Glu1214fs; shifts the reading frame from glutamic acid 1214.
Molecular consequence: frameshift variant. On other transcripts: intron variant (135).
Genome position (GRCh38, 1-based): chr17:43,091,887-43,091,891, TTCTC deleted on the plus strand (GAGAA on the coding strand, the reverse complement: BRCA1 is on the minus strand); deleting any 5 consecutive bases within chr17:43,091,887-43,091,895 gives the same sequence; the c. name uses the placement nearest the transcript's 3' end. VCF-style (leftmost placement, unchanged base first): chr17-43091886-GTTCTC-G. GRCh37 (hg19) VCF-style: chr17-41243903-GTTCTC-G.
Other names: c.3499_3503del, p.Glu1167fs (NM_001407739.1, NM_001407692.1, NM_001407694.1 and 29 more transcripts); c.788-859_788-855del (NM_001408472.1, NM_001407990.1, NM_007299.4 and 17 more transcripts); c.3496_3500del, p.Glu1166fs (NM_001407740.1, NM_001407741.1, NM_001407744.1 and 20 more transcripts); c.578-859_578-855del (NM_001408513.1, NM_001408492.1, NM_001408481.1 and 9 more transcripts); c.644-859_644-855del (NM_001408468.1, NM_001408470.1, NM_001408464.1 and 3 more transcripts); c.524-859_524-855del (NM_001408501.1, NM_001408498.1, NM_001408500.1 and 3 more transcripts); c.647-859_647-855del (NM_001408455.1, NM_001408458.1, NM_001408469.1 and 11 more transcripts); c.3640_3644delGAGAA (NM_007294.3); and 42 more; short protein forms E1214fs, E1167fs, E1126fs, E1188fs, E1213fs, E1087fs, E1125fs, E1146fs.
Identifiers: ClinVar variation 479239 (VCV000479239.11), dbSNP rs1555587356, ClinGen allele CA658656686.